The following is an entry in ClinVar:

NM_032266.5(SPATA31H1):c.15426T>A (p.Ser5142=)

Gene: SPATA31H1 (SPATA31 subfamily H member 1; plus strand). Cytogenetic location: 2p23.3.
Variant type: single nucleotide variant.
Coding change: c.15426T>A on transcript NM_032266.5 (MANE Select); coding-DNA position 15426, T replaced by A.
Protein change: p.Ser5142=; no amino-acid change (serine 5142 retained).
Molecular consequence: synonymous variant.
Genome position (GRCh38, 1-based): chr2:27,581,786, T>A. VCF-style: chr2-27581786-T-A. GRCh37 (hg19) VCF-style: chr2-27804653-T-A.
Identifiers: ClinVar variation 3898312 (VCV003898312.7).
Genomic context (GRCh38, chr2:27,581,786, plus strand): 5'-TCGCAGTCCCGCTCGGAGGAGCCATCGCAGTCCCTCAGAGAGAAGCCATCACAGTCCCTC[T>A]GAGAGAAGCCATCACAGTCCCTCTGAGAGAAGACATCACAGTCCCTCTGAGAGAAGCCAT-3'
Protein context (NP_115642.4, residues 5132-5152): SPSERSHHSP[Ser5142=]ERSHHSPSER

ClinVar aggregate classification (germline): Likely benign (1 of 4 stars; one submission).

gnomAD v4.1: 75 of 1,608,694 alleles (0.0047%); highest among the groups gnomAD compares: Non-Finnish European, 0.006%; no homozygotes.

Submission:

CeGaT Center for Human Genetics Tuebingen
Classification: Likely benign. Last evaluated: 2025-04-01. Review status: criteria provided, single submitter. Criteria: CeGaT Center For Human Genetics Tuebingen Variant Classification Criteria Version 2. Collection method: clinical testing. Allele origin: germline. Affected: yes. Observed: 1 variant allele.
Comment: SPATA31H1: BP4, BP7